The following is an entry in ClinVar:

NM_001042492.3(NF1):c.6920A>G (p.Lys2307Arg)

Gene: NF1 (neurofibromin 1; plus strand). Cytogenetic location: 17q11.2.
Variant type: single nucleotide variant.
Coding change: c.6920A>G on transcript NM_001042492.3 (MANE Select); coding-DNA position 6920, A replaced by G.
Protein change: p.Lys2307Arg; replaces lysine 2307 with arginine.
Molecular consequence: missense variant.
Genome position (GRCh38, 1-based): chr17:31,338,804, A>G. VCF-style: chr17-31338804-A-G. GRCh37 (hg19) VCF-style: chr17-29665822-A-G.
Other names: c.6857A>G, p.Lys2286Arg (NM_000267.4); short protein forms K2286R, K2307R.
Identifiers: ClinVar variation 1320349 (VCV001320349.13), dbSNP rs765418194, ClinGen allele CA8487448.
Genomic context (GRCh38, chr17:31,338,804, plus strand): 5'-GTCAAGTTCTGATAGAAGCTACAGTAATAGCACTAACCAAATTACAGCCACTTCTTAATA[A>G]GGTAATTACTGTATAGAAAATGAGTGCATTCATTTTGGGTATCAGTGTTGAATGTTACTT-3'
Protein context (NP_001035957.1, residues 2297-2317): ALTKLQPLLN[Lys2307Arg]DSPLHKALFW

ClinVar aggregate classification (germline): Conflicting classifications of pathogenicity. Review status: criteria provided, conflicting classifications (1 of 4 stars). 6 submissions from 6 submitters: Pathogenic (2); Uncertain significance (4). Last evaluated 2025-07-01.

Conditions:
Neurofibromatosis, familial spinal (FSNF). Identifiers: Orphanet 636, MedGen C1834235, MONDO:0008078, OMIM 162210. Disease mechanism: loss of function.
Juvenile myelomonocytic leukemia (JMML). Also called: LEUKEMIA, JUVENILE MYELOMONOCYTIC, SOMATIC. Identifiers: Orphanet 86834, MedGen C0349639, MONDO:0011908, OMIM 607785, HP:0012209.
Neurofibromatosis-Noonan syndrome (NFNS). Also called: NEUROFIBROMATOSIS WITH NOONAN PHENOTYPE. Identifiers: Orphanet 638, MedGen C2931482, MONDO:0011035, OMIM 601321. Disease mechanism: loss of function.
Café-au-lait macules with pulmonary stenosis (WTSN). Also called: PULMONIC STENOSIS WITH CAFE-AU-LAIT SPOTS. Identifiers: MedGen C0553586, MONDO:0008672, OMIM 193520.
Neurofibromatosis, type 1 (NF1). Also called: NEUROFIBROMATOSIS, TYPE I, SOMATIC; Peripheral type neurofibromatosis; Neurofibromatosis, type I; VON RECKLINGHAUSEN DISEASE. Identifiers: Orphanet 636, MedGen C0027831, MONDO:0018975, OMIM 162200. Disease mechanism: loss of function.
Hereditary cancer-predisposing syndrome. Also called: Neoplastic Syndromes, Hereditary; Hereditary Cancer Syndrome; Tumor predisposition; Hereditary neoplastic syndrome. Identifiers: Orphanet 140162, MedGen C0027672, MeSH D009386, MONDO:0015356.
Cardiovascular phenotype. Identifiers: MedGen CN230736.

Allele frequency attached by ClinVar (database versions not stated): ExAC 0.00001.
gnomAD v4.1: 1 of 1,588,308 alleles (0.000063%); no homozygotes.

Submissions (6):

Ambry Genetics
Classification: Pathogenic for Cardiovascular phenotype; Hereditary cancer-predisposing syndrome. Last evaluated: 2025-07-01. Review status: criteria provided, single submitter. Criteria: Ambry Variant Classification Scheme 2023. Collection method: clinical testing. Allele origin: germline.
Comment: The c.6857A>G pathogenic mutation (also known as p.K2286R), located in coding exon 45 of the NF1 gene, results from an A to G substitution at nucleotide position 6857. The lysine at codon 2286 is replaced by arginine, an amino acid with highly similar properties. This variant was reported in individual(s) with features consistent with neurofibromatosis type 1, in at least one individual, it was determined to be de novo (personal communication; Ambry internal data). Other variant(s) impacting the same donor site (c.6858+4A>G) have been identified in individual(s) with features consistent with neurofibromatosis type 1 (Jang MA et al. J Hum Genet, 2016 Aug;61:705-9; external communication; Ambry internal data). This variant is considered to be rare based on population cohorts in the Genome Aggregation Database (gnomAD). This nucleotide position is highly conserved in available vertebrate species. In silico splice site analysis predicts that this alteration will weaken the native splice donor site. Based on the supporting evidence, this variant is interpreted as a disease-causing mutation.

Labcorp Genetics (formerly Invitae), Labcorp
Classification: Pathogenic for Neurofibromatosis, type 1. Last evaluated: 2024-08-11. Review status: criteria provided, single submitter. Criteria: Invitae Variant Classification Sherloc (09022015). Collection method: clinical testing. Allele origin: germline.
Comment: This sequence change replaces lysine, which is basic and polar, with arginine, which is basic and polar, at codon 2286 of the NF1 protein (p.Lys2286Arg). This variant is not present in population databases (gnomAD no frequency). This missense change has been observed in individual(s) with neurofibromatosis type 1 (Invitae). In at least one individual the variant was observed to be de novo. ClinVar contains an entry for this variant (Variation ID: 1320349). An algorithm developed to predict the effect of missense changes on protein structure and function (PolyPhen-2) suggests that this variant is likely to be tolerated. Algorithms developed to predict the effect of sequence changes on RNA splicing suggest that this variant may disrupt the consensus splice site. For these reasons, this variant has been classified as Pathogenic.

Baylor Genetics
Classification: Uncertain significance for Juvenile myelomonocytic leukemia. Last evaluated: 2023-05-30. Review status: criteria provided, single submitter. Criteria: ACMG Guidelines, 2015. Collection method: clinical testing. Allele origin: unknown.

GeneDx
Classification: Uncertain significance. Last evaluated: 2022-04-15. Review status: criteria provided, single submitter. Criteria: GeneDx Variant Classification Process June 2021. Collection method: clinical testing. Allele origin: germline. Affected: yes.
Comment: Not observed at significant frequency in large population cohorts (gnomAD); In silico analysis supports a deleterious effect on splicing; In silico analysis supports that this missense variant does not alter protein structure/function; Has not been previously published as pathogenic or benign to our knowledge; This variant is associated with the following publications: (PMID: 25486365)

Genome-Nilou Lab
Classification: Uncertain significance for Neurofibromatosis, type 1. Last evaluated: 2022-03-15. Review status: criteria provided, single submitter. Criteria: ACMG Guidelines, 2015. Collection method: clinical testing. Allele origin: germline. Affected: no.

Fulgent Genetics
Classification: Uncertain significance for Neurofibromatosis, type 1; Neurofibromatosis, familial spinal; Café-au-lait macules with pulmonary stenosis; Neurofibromatosis-Noonan syndrome; Juvenile myelomonocytic leukemia. Last evaluated: 2022-02-27. Review status: criteria provided, single submitter. Criteria: ACMG Guidelines, 2015. Collection method: clinical testing. Allele origin: unknown.